The following is an entry in ClinVar:

NM_130849.4(SLC39A4):c.340G>A (p.Ala114Thr)

Gene: SLC39A4 (solute carrier family 39 member 4; minus strand). Cytogenetic location: 8q24.3.
Variant type: single nucleotide variant.
Coding change: c.340G>A on transcript NM_130849.4 (MANE Select); coding-DNA position 340, G replaced by A.
Protein change: p.Ala114Thr; replaces alanine 114 with threonine.
Molecular consequence: missense variant. On other transcripts: intron variant (1).
Genome position (GRCh38, 1-based): chr8:144,415,944, C>T on the plus strand (G>A on the coding strand, the complement: SLC39A4 is on the minus strand). VCF-style: chr8-144415944-C-T. GRCh37 (hg19) VCF-style: chr8-145641328-C-T.
Other names: p.Ala114Thr; c.265G>A, p.Ala89Thr (NM_017767.3); c.193-525G>A (NM_001374839.1); short protein forms A114T, A89T.
Identifiers: ClinVar variation 362260 (VCV000362260.23), dbSNP rs17855765, ClinGen allele CA4941734.

ClinVar aggregate classification (germline): Benign. Review status: criteria provided, multiple submitters, no conflicts (2 of 4 stars). 8 submissions from 8 submitters: Benign (7). 1 of the submissions does not count toward it. Last evaluated 2026-02-04.

Conditions:
Hereditary acrodermatitis enteropathica (AEZ). Also called: Acrodermatitis enteropathica. Identifiers: Orphanet 37, MedGen C0221036, MONDO:0008713, OMIM 201100.

Allele frequency attached by ClinVar (database versions not stated): 1000 Genomes Project 30x 0.36821; 1000 Genomes Project 0.37420; TOPMed 0.42496; ESP Exome Variant Server 0.43501; gnomAD 0.43902 and 0.43910; gnomAD exomes 0.45781; ExAC 0.49751.
gnomAD v4.1: 781,102 of 1,591,926 alleles (49%); highest among the groups gnomAD compares: Middle Eastern, 60%; 195,443 homozygotes.

Submissions (8):

Labcorp Genetics (formerly Invitae), Labcorp
Classification: Benign. Last evaluated: 2026-02-04. Review status: criteria provided, single submitter. Criteria: Invitae Variant Classification Sherloc (09022015). Collection method: clinical testing. Allele origin: germline.

Blueprint Genetics
Classification: Benign. Last evaluated: 2024-11-27. Review status: criteria provided, single submitter. Criteria: ACMG Guidelines, 2015. Collection method: clinical testing. Allele origin: germline.

Mayo Clinic Laboratories, Mayo Clinic
Classification: Benign. Last evaluated: 2022-09-06. Review status: criteria provided, single submitter. Criteria: ACMG Guidelines, 2015. Collection method: clinical testing. Allele origin: germline. Observed: 69 variant alleles.

Genome-Nilou Lab
Classification: Benign for Hereditary acrodermatitis enteropathica. Last evaluated: 2021-07-10. Review status: criteria provided, single submitter. Criteria: ACMG Guidelines, 2015. Collection method: clinical testing. Allele origin: germline. Affected: no.

GeneDx
Classification: Benign. Last evaluated: 2021-06-09. Review status: criteria provided, single submitter. Criteria: GeneDx Variant Classification Process June 2021. Collection method: clinical testing. Allele origin: germline. Affected: yes.

Laboratory for Molecular Medicine, Mass General Brigham Personalized Medicine
Classification: Benign. Last evaluated: 2016-03-29. Review status: criteria provided, single submitter. Criteria: LMM Criteria. Collection method: clinical testing. Allele origin: germline.
Comment: Variant identified in a genome or exome case(s) and assessed due to predicted null impact of the variant or pathogenic assertions in the literature or databases. Disclaimer: This variant has not undergone full assessment. The following are preliminary notes: Frequency

Breakthrough Genomics
Classification: Benign. Review status: criteria provided, single submitter. Criteria: ACMG Guidelines, 2015. Collection method: not provided. Allele origin: germline. Inheritance: Autosomal recessive inheritance. Affected: yes.

Natera, Inc.
Classification: Benign for Acrodermatitis enteropathica. Last evaluated: 2020-09-16. Review status: no assertion criteria provided. Collection method: clinical testing. Allele origin: germline. Not counted in ClinVar's aggregate classification.